The following is an entry in ClinVar:

NM_004655.4(AXIN2):c.1339_1341del (p.Leu447del)

Gene: AXIN2 (axin 2; minus strand). Cytogenetic location: 17q24.1.
Variant type: Deletion.
Coding change: c.1339_1341del on transcript NM_004655.4 (MANE Select); coding-DNA positions 1339 to 1341, 3 bases deleted (CTC; older notation c.1339_1341delCTC).
Protein change: p.Leu447del; deletes leucine 447.
Molecular consequence: inframe deletion.
Genome position (GRCh38, 1-based): chr17:65,537,695-65,537,697, GAG deleted on the plus strand (CTC on the coding strand, the reverse complement: AXIN2 is on the minus strand); deleting any 3 consecutive bases within chr17:65,537,695-65,537,699 gives the same sequence; the c. name uses the placement nearest the transcript's 3' end. VCF-style (leftmost placement, unchanged base first): chr17-65537694-TGAG-T. GRCh37 (hg19) VCF-style: chr17-63533812-TGAG-T.
Other names: c.1339_1341del, p.Leu447del (NM_001363813.1); c.1339_1341delCTC (NM_004655.3); short protein forms L447del.
Identifiers: ClinVar variation 839781 (VCV000839781.10), dbSNP rs2043958371, ClinGen allele CA916081925.

ClinVar aggregate classification (germline): Uncertain significance. Review status: criteria provided, multiple submitters, no conflicts (2 of 4 stars). 2 submissions from 2 submitters: Uncertain significance (2). Last evaluated 2023-12-01.

Conditions:
Oligodontia-cancer predisposition syndrome. Also called: TOOTH AGENESIS-COLORECTAL CANCER SYNDROME. Identifiers: Orphanet 300576, MedGen C1837750, MONDO:0012075, OMIM 608615. Disease mechanism: loss of function.
Hereditary cancer-predisposing syndrome. Also called: Neoplastic Syndromes, Hereditary; Tumor predisposition; Hereditary neoplastic syndrome; Hereditary Cancer Syndrome. Identifiers: Orphanet 140162, MedGen C0027672, MeSH D009386, MONDO:0015356.

Submissions (2):

Ambry Genetics
Classification: Uncertain significance for Hereditary cancer-predisposing syndrome. Last evaluated: 2023-12-01. Review status: criteria provided, single submitter. Criteria: Ambry Variant Classification Scheme 2023. Collection method: clinical testing. Allele origin: germline.
Comment: The c.1339_1341delCTC variant (also known as p.L447del) is located in coding exon 5 of the AXIN2 gene. This variant results from an in-frame CTC deletion at nucleotide positions 1339 to 1341. This results in the in-frame deletion of a leucine at codon 447. This amino acid position is well conserved in available vertebrate species. In addition, this alteration is predicted to be deleterious by in silico analysis (Choi Y et al. PLoS ONE. 2012; 7(10):e46688). Since supporting evidence is limited at this time, the clinical significance of this alteration remains unclear.

Labcorp Genetics (formerly Invitae), Labcorp
Classification: Uncertain significance for Oligodontia-cancer predisposition syndrome. Last evaluated: 2019-04-03. Review status: criteria provided, single submitter. Criteria: Invitae Variant Classification Sherloc (09022015). Collection method: clinical testing. Allele origin: germline.
Comment: This variant is not present in population databases (ExAC no frequency). This variant, c.1339_1341del, results in the deletion of 1 amino acid of the AXIN2 protein (p.Leu447del), but otherwise preserves the integrity of the reading frame. This variant has not been reported in the literature in individuals with AXIN2-related conditions. In summary, the available evidence is currently insufficient to determine the role of this variant in disease. Therefore, it has been classified as a Variant of Uncertain Significance. Experimental studies and prediction algorithms are not available for this variant, and the functional significance of the affected amino acid(s) is currently unknown.